The following is an entry in ClinVar:

ClinVar aggregate classification (germline): Uncertain significance (1 of 4 stars; one submission).

Submission:

Labcorp Genetics (formerly Invitae), Labcorp
Classification: Uncertain significance. Last evaluated: 2023-01-31. Review status: criteria provided, single submitter. Criteria: Invitae Variant Classification Sherloc (09022015). Collection method: clinical testing. Allele origin: germline.
Comment: In summary, the available evidence is currently insufficient to determine the role of this variant in disease. Therefore, it has been classified as a Variant of Uncertain Significance. Algorithms developed to predict the effect of sequence changes on RNA splicing suggest that this variant may create or strengthen a splice site. Algorithms developed to predict the effect of missense changes on protein structure and function are either unavailable or do not agree on the potential impact of this missense change (SIFT: "Deleterious"; PolyPhen-2: "Benign"; Align-GVGD: "Class C15"). This variant has not been reported in the literature in individuals affected with C3-related conditions. This variant is not present in population databases (gnomAD no frequency). This sequence change replaces isoleucine, which is neutral and non-polar, with serine, which is neutral and polar, at codon 786 of the C3 protein (p.Ile786Ser).

NM_000064.4(C3):c.2357T>G (p.Ile786Ser)

Gene: C3 (complement C3; minus strand). Cytogenetic location: 19p13.3.
Variant type: single nucleotide variant.
Coding change: c.2357T>G on transcript NM_000064.4 (MANE Select); coding-DNA position 2357, T replaced by G.
Protein change: p.Ile786Ser; replaces isoleucine 786 with serine.
Molecular consequence: missense variant.
Genome position (GRCh38, 1-based): chr19:6,702,210, A>C on the plus strand (T>G on the coding strand, the complement: C3 is on the minus strand). VCF-style: chr19-6702210-A-C. GRCh37 (hg19) VCF-style: chr19-6702221-A-C.
Other names: short protein forms I786S.
Identifiers: ClinVar variation 2833263 (VCV002833263.3), dbSNP rs776156853, ClinGen allele CA403635092.